The following is an entry in ClinVar:

ClinVar aggregate classification (germline): Pathogenic (1 of 4 stars; one submission).

Conditions:
Birt-Hogg-Dube syndrome. Also called: Birt Hogg Dubé syndrome. Identifiers: Orphanet 122, MedGen C0346010, MONDO:0800444.

Submission:

Labcorp Genetics (formerly Invitae), Labcorp
Classification: Pathogenic for Birt-Hogg-Dube syndrome. Last evaluated: 2024-01-25. Review status: criteria provided, single submitter. Criteria: Invitae Variant Classification Sherloc (09022015). Collection method: clinical testing. Allele origin: unknown.
Comment: This variant is a gross deletion of the genomic region encompassing exon(s) 14 of the FLCN gene, which includes the termination codon. This deletion extends beyond the assayed region for this gene and therefore may encompass additional genes. While this deletion is not anticipated to lead to nonsense mediated decay, it is expected to alter mRNA translation or result in a truncated protein product. A similar copy number variant has been observed in individuals with features of Birt-Hogg-Dube syndrome (PMID: 20413710, 24393238, 27229674). This variant disrupts the FNIP1/2 interaction domain, which has been shown to be important for AMPK-mediated mTOR signaling pathways (PMID: 17028174, 18403135, 18663353, 22977732). While functional studies have not been performed to directly test the effect of this variant on FLCN protein function, this suggests that disruption of this region of the protein may be causative of disease. This variant disrupts a region of the FLCN protein in which other variant(s) (p.Arg527*, p.Gln533*) have been determined to be pathogenic (PMID: 15852235, 17028174, 18403135, 18663353, 19802896, 22977732; Invitae). This suggests that this is a clinically significant region of the protein, and that variants that disrupt it are likely to be disease-causing. For these reasons, this variant has been classified as Pathogenic.

Literature cited by the submitters: PubMed 20413710; PubMed 24393238; PubMed 27229674; PubMed 17028174; PubMed 18403135; PubMed 18663353; PubMed 22977732; PubMed 15852235; PubMed 19802896.

NC_000017.10:g.(?_17116969)_(17117190_?)del

Gene: FLCN (folliculin; minus strand). Cytogenetic location: 17p11.2.
Variant type: Deletion.
Identifiers: ClinVar variation 3242944 (VCV003242944.1).